The following is an entry in ClinVar:

ClinVar aggregate classification (germline): Pathogenic/Likely pathogenic. Review status: criteria provided, multiple submitters, no conflicts (2 of 4 stars). 2 submissions from 2 submitters: Pathogenic (1); Likely pathogenic (1). Last evaluated 2025-08-17.

Conditions:
Autosomal recessive polycystic kidney disease (ARPKD). Also called: AR polycystic kidney disease. Identifiers: Orphanet 731, Orphanet 8378, MedGen C0085548, MeSH D017044, MONDO:0009889.

Submissions (2):

Natera, Inc.
Classification: Likely pathogenic for Autosomal recessive polycystic kidney disease. Last evaluated: 2025-08-17. Review status: criteria provided, single submitter. Criteria: Natera Variant Classification Schema (03/2026). Collection method: clinical testing. Allele origin: germline.
Comment: The c.4926_4932delACTTTGG variant in PKHD1 is a frameshift variant predicted to shift the reading frame beginning at codon 1643 and leads to a stop codon 3 codons downstream. This variant is expected to result in nonsense mediated decay, truncation, or a dysfunctional protein product. This variant is rare in the general population with a frequency below the threshold expected for the associated phenotype(s). Given the available evidence, this variant is classified as Likely Pathogenic.

Labcorp Genetics (formerly Invitae), Labcorp
Classification: Pathogenic for Autosomal recessive polycystic kidney disease. Last evaluated: 2022-10-24. Review status: criteria provided, single submitter. Criteria: Invitae Variant Classification Sherloc (09022015). Collection method: clinical testing. Allele origin: germline.
Comment: This sequence change creates a premature translational stop signal (p.Leu1643Ilefs*3) in the PKHD1 gene. It is expected to result in an absent or disrupted protein product. Loss-of-function variants in PKHD1 are known to be pathogenic (PMID: 19940839). This variant is not present in population databases (gnomAD no frequency). This variant has not been reported in the literature in individuals affected with PKHD1-related conditions. ClinVar contains an entry for this variant (Variation ID: 1369556). For these reasons, this variant has been classified as Pathogenic.

Literature cited by the submitters: PubMed 19940839 (cited by Labcorp Genetics (formerly Invitae), Labcorp).

NM_138694.4(PKHD1):c.4926_4932del (p.Leu1643fs)

Genes: PKHD1 (PKHD1 ciliary IPT domain containing fibrocystin/polyductin; minus strand), LOC126859690 (MED14-independent group 3 enhancer GRCh37_chr6:51888848-51890047; plus strand). Cytogenetic location: 6p12.2.
Variant type: Deletion.
Coding change: c.4926_4932del on transcript NM_138694.4 (MANE Select); coding-DNA positions 4926 to 4932, 7 bases deleted (ACTTTGG; older notation c.4926_4932delACTTTGG).
Protein change: p.Leu1643fs; shifts the reading frame from leucine 1643.
Molecular consequence: frameshift variant.
Genome position (GRCh38, 1-based): chr6:52,024,878-52,024,884, CCAAAGT deleted on the plus strand (ACTTTGG on the coding strand, the reverse complement: PKHD1 is on the minus strand); deleting any 7 consecutive bases within chr6:52,024,878-52,024,887 gives the same sequence; the c. name uses the placement nearest the transcript's 3' end. VCF-style (leftmost placement, unchanged base first): chr6-52024877-ACCAAAGT-A. GRCh37 (hg19) VCF-style: chr6-51889675-ACCAAAGT-A.
Other names: c.4926_4932del, p.Leu1643fs (NM_170724.3); c.4926_4932delACTTTGG (NM_138694.3); short protein forms L1643fs.
Identifiers: ClinVar variation 1369556 (VCV001369556.10), dbSNP rs2128142132, ClinGen allele CA2573140959.